The following is an entry in ClinVar:

ClinVar aggregate classification (germline): Pathogenic/Likely pathogenic. Review status: criteria provided, multiple submitters, no conflicts (2 of 4 stars). 6 submissions from 6 submitters: Pathogenic (3); Likely pathogenic (3). Last evaluated 2025-12-19.

Conditions:
Amyotrophic lateral sclerosis type 1 (ALS1). Also called: AMYOTROPHIC LATERAL SCLEROSIS 1, FAMILIAL. Identifiers: Orphanet 803, MedGen C1862939, MONDO:0007103, OMIM 105400.

Submissions (6):

3billion
Classification: Pathogenic for Amyotrophic lateral sclerosis type 1. Last evaluated: 2025-12-19. Review status: criteria provided, single submitter. Criteria: ACMG Guidelines, 2015. Collection method: clinical testing. Allele origin: germline. Affected: yes.
Comment: The variant is not observed in the gnomAD v4.1.0 dataset. Predicted Consequence/Location: Missense variant In silico tool predictions suggest damaging effect of the variant on gene or gene product [REVEL: 0.98 (>=0.6, sensitivity 0.68 and specificity 0.92); 3Cnet: 0.99 (> 0.75, sensitivity 0.96 and precision 0.92)]. The same nucleotide change resulting in the same amino acid change has been previously reported as pathogenic/likely pathogenic with strong evidence (ClinVar ID: VCV000807693 /PMID: 14506936). The variant has been observed in at least two similarly affected unrelated individuals (PMID: 14506936, 20309572). A different missense change at the same codon (p.His49Gln) has been reported to be associated with SOD1-related disorder (PMID: 8528216). Therefore, this variant is classified as Pathogenic according to the recommendation of ACMG/AMP guideline.

CeGaT Center for Human Genetics Tuebingen
Classification: Pathogenic. Last evaluated: 2024-01-01. Review status: criteria provided, single submitter. Criteria: CeGaT Center For Human Genetics Tuebingen Variant Classification Criteria Version 2. Collection method: clinical testing. Allele origin: germline. Affected: yes. Observed: 1 variant allele.
Comment: SOD1: PM1, PM2, PM5, PS4:Moderate, PP2, PS3:Supporting

Molecular Genetics, Royal Melbourne Hospital
Classification: Likely pathogenic for Amyotrophic lateral sclerosis type 1. Last evaluated: 2023-03-30. Review status: criteria provided, single submitter. Criteria: ACMG Guidelines, 2015. Collection method: clinical testing. Allele origin: germline. Affected: yes.
Comment: This sequence change is predicted to replace histidine with arginine at codon 49 of the SOD1 protein (p.(His49Arg), also known as p.His48Arg). The histidine residue is evolutionarily conserved (100 vertebrates, UCSC), and is a critical copper-binding site (PMID: 1463506). There is a small physicochemical difference between histidine and arginine. The variant is absent in a large population cohort (gnomAD v2.1 and v3.1), and has been identified in at least five unrelated individuals with familial/sporadic amyotrophic lateral sclerosis (PMID: 14506936, 20309572, 26551617; Royal Melbourne Hospital). A knock-in drosophila model exhibited neurodegeneration, locomotor deficits, and shortened life span (PMID: 27974499). Multiple lines of computational evidence predict a deleterious effect for the missense substitution (6/6 algorithms). A different missense change with a similar physicochemical difference at this position (p.His49Gln) is a well-established pathogenic SOD1 variant (PMID: 9409355, 30626575). Based on the classification scheme RMH Modified ACMG Guidelines v1.4.0, this variant is classified as LIKELY PATHOGENIC. Following criteria are met: PS3_Moderate, PM1, PM5, PS4_Supporting, PM2_Supporting, PP3.

Labcorp Genetics (formerly Invitae), Labcorp
Classification: Likely pathogenic for Amyotrophic lateral sclerosis type 1. Last evaluated: 2022-05-26. Review status: criteria provided, single submitter. Criteria: Invitae Variant Classification Sherloc (09022015). Collection method: clinical testing. Allele origin: germline.
Comment: In summary, the currently available evidence indicates that the variant is pathogenic, but additional data are needed to prove that conclusively. Therefore, this variant has been classified as Likely Pathogenic. This variant disrupts the p.His49 amino acid residue in SOD1. Other variant(s) that disrupt this residue have been observed in individuals with SOD1-related conditions (PMID: 8528216), which suggests that this may be a clinically significant amino acid residue. Algorithms developed to predict the effect of sequence changes on RNA splicing suggest that this variant may create or strengthen a splice site. Experimental studies have shown that this missense change affects SOD1 function (PMID: 23280792, 27974499). Advanced modeling of protein sequence and biophysical properties (such as structural, functional, and spatial information, amino acid conservation, physicochemical variation, residue mobility, and thermodynamic stability) performed at Invitae indicates that this missense variant is expected to disrupt SOD1 protein function. ClinVar contains an entry for this variant (Variation ID: 807693). This variant is also known as p.His48Arg. This missense change has been observed in individual(s) with autosomal dominant amyotrophic lateral sclerosis (PMID: 14506936, 25509359). This variant is not present in population databases (gnomAD no frequency). This sequence change replaces histidine, which is basic and polar, with arginine, which is basic and polar, at codon 49 of the SOD1 protein (p.His49Arg).

Victorian Clinical Genetics Services, Murdoch Childrens Research Institute
Classification: Pathogenic for Amyotrophic lateral sclerosis type 1. Last evaluated: 2022-03-31. Review status: criteria provided, single submitter. Criteria: ACMG Guidelines, 2015. Collection method: clinical testing. Allele origin: germline.
Comment: Based on the classification scheme VCGS_Germline_v1.3.4, this variant is classified as Pathogenic. Following criteria are met: 0103 - Loss of function and toxic gain of function are known mechanisms of disease in this gene and are associated with amyotrophic lateral sclerosis 1 (MIM#105400). Missense variants have been described with both a loss- and toxic gain of function effect, where protein expression and activity is reduced, but residual protein results in misfolded aggregates (OMIM, PMID: 34721532). (I) 0108 - This gene is associated with both recessive and dominant disease (OMIM). (I) 0200 - Variant is predicted to result in a missense amino acid change from histidine to arginine. (I) 0251 - This variant is heterozygous. (I) 0301 - Variant is absent from gnomAD (both v2 and v3). (SP) 0501 - Missense variant consistently predicted to be damaging by multiple in silico tools or highly conserved with a major amino acid change. (SP) 0600 - Variant is located at the annotated metal ion binding site within the Sod_Cu domain (DECIPHER). (I) 0704 - Another missense variant comparable to the one identified in this case has limited previous evidence for pathogenicity. This comparable change (p.(His49Gln)) has been reported in several individuals with amyotrophic lateral sclerosis (PMID: 14506936, PMID: 8528216). (SP) 0802 - This variant has moderate previous evidence of pathogenicity in unrelated individuals. This variant has been classified as likely pathogenic, and observed in at least three unrelated individuals with amyotrophic lateral sclerosis (ClinVar, PMID: 25509359, PMID: 29650794, PMID: 14506936). (SP) 1002 - This variant has moderate functional evidence supporting abnormal protein function. Knock in Drosophila fruit flies resulted in almost complete lethality, and analysis of enzyme function showed it was inactive. (PMID: 27974499). (SP) 1208 - Inheritance information for this variant is not currently available in this individual. (I) Legend: (SP) - Supporting pathogenic, (I) - Information, (SB) - Supporting benign

Institute of Human Genetics Munich, TUM University Hospital
Classification: Likely pathogenic for Amyotrophic lateral sclerosis type 1. Last evaluated: 2018-02-26. Review status: criteria provided, single submitter. Criteria: Classification criteria August 2017. Collection method: clinical testing. Allele origin: germline. Inheritance: Autosomal dominant inheritance. Affected: yes. Observed: 1 heterozygote.

Literature cited by the submitters: PubMed 14506936 (cited by 4 submitters); PubMed 8528216 (cited by 3 submitters); PubMed 20309572 (cited by 3billion and Molecular Genetics, Royal Melbourne Hospital); PubMed 1463506 (cited by Molecular Genetics, Royal Melbourne Hospital); PubMed 9409355 (cited by Molecular Genetics, Royal Melbourne Hospital); PubMed 26551617 (cited by Molecular Genetics, Royal Melbourne Hospital); PubMed 27974499 (cited by 3 submitters); PubMed 30626575 (cited by Molecular Genetics, Royal Melbourne Hospital); PubMed 23280792 (cited by Labcorp Genetics (formerly Invitae), Labcorp); PubMed 25509359 (cited by Labcorp Genetics (formerly Invitae), Labcorp and Victorian Clinical Genetics Services, Murdoch Childrens Research Institute); PubMed 29650794 (cited by Victorian Clinical Genetics Services, Murdoch Childrens Research Institute); PubMed 34721532 (cited by Victorian Clinical Genetics Services, Murdoch Childrens Research Institute).

NM_000454.5(SOD1):c.146A>G (p.His49Arg)

Gene: SOD1 (superoxide dismutase 1; plus strand). Cytogenetic location: 21q22.11.
Variant type: single nucleotide variant.
Coding change: c.146A>G on transcript NM_000454.5 (MANE Select); coding-DNA position 146, A replaced by G.
Protein change: p.His49Arg; replaces histidine 49 with arginine.
Molecular consequence: missense variant.
Genome position (GRCh38, 1-based): chr21:31,663,863, A>G. VCF-style: chr21-31663863-A-G. GRCh37 (hg19) VCF-style: chr21-33036176-A-G.
Other names: short protein forms H49R.
Identifiers: ClinVar variation 807693 (VCV000807693.31), dbSNP rs1568809172, ClinGen allele CA410036753.
Genomic context (GRCh38, chr21:31,663,863, plus strand): 5'-CAGTGAAGGTGTGGGGAAGCATTAAAGGACTGACTGAAGGCCTGCATGGATTCCATGTTC[A>G]TGAGTTTGGAGATAATACAGCAGGTGGGTGTTGTGCTGTGCTGGTGACCCATACTTGTTC-3'
Protein context (NP_000445.1, residues 39-59): LTEGLHGFHV[His49Arg]EFGDNTAGCT